The following is an entry in ClinVar:

ClinVar aggregate classification (germline): Pathogenic (1 of 4 stars; one submission).

Conditions:
Duchenne muscular dystrophy (DMD). Also called: MUSCULAR DYSTROPHY, PSEUDOHYPERTROPHIC PROGRESSIVE, DUCHENNE TYPE; Duchenne Muscular Dystrophy (DMD). Identifiers: Orphanet 98896, MedGen C0013264, MONDO:0010679, OMIM 310200.

Submissions (2):

Labcorp Genetics (formerly Invitae), Labcorp
Classification: Pathogenic for Duchenne muscular dystrophy. Last evaluated: 2022-09-27. Review status: criteria provided, single submitter. Criteria: Invitae Variant Classification Sherloc (09022015). Collection method: clinical testing. Allele origin: germline.
Comment: For these reasons, this variant has been classified as Pathogenic. This sequence change creates a premature translational stop signal (p.Trp2786*) in the DMD gene. It is expected to result in an absent or disrupted protein product. Loss-of-function variants in DMD are known to be pathogenic (PMID: 16770791, 25007885). This variant is not present in population databases (gnomAD no frequency). This premature translational stop signal has been observed in individual(s) with Duchenne muscular dystrophy (PMID: 10464635).

Dr. Peter K. Rogan Lab, Western University
No classification provided (evidence only). Condition: Thyroid cancer, nonmedullary, 1. Review status: no classification provided. Collection method: in vitro. Allele origin: not applicable. Functional consequence: retained intron. Not counted in ClinVar's aggregate classification.

Literature cited by the submitters: PubMed 16770791 (cited by Labcorp Genetics (formerly Invitae), Labcorp); PubMed 25007885 (cited by Labcorp Genetics (formerly Invitae), Labcorp); PubMed 10464635 (cited by Labcorp Genetics (formerly Invitae), Labcorp).

NM_004006.3(DMD):c.8358G>A (p.Trp2786Ter)

Gene: DMD (dystrophin; minus strand). Cytogenetic location: Xp21.1.
Variant type: single nucleotide variant.
Coding change: c.8358G>A on transcript NM_004006.3 (MANE Select); coding-DNA position 8358, G replaced by A.
Protein change: p.Trp2786Ter; replaces tryptophan 2786 with a stop codon.
Molecular consequence: nonsense.
Genome position (GRCh38, 1-based): chrX:31,507,313, C>T on the plus strand (G>A on the coding strand, the complement: DMD is on the minus strand). VCF-style: chrX-31507313-C-T. GRCh37 (hg19) VCF-style: chrX-31525430-C-T.
Other names: c.8334G>A, p.Trp2778Ter (NM_000109.4); c.8346G>A, p.Trp2782Ter (NM_004009.3); c.7989G>A, p.Trp2663Ter (NM_004010.3); c.4335G>A, p.Trp1445Ter (NM_004011.4); c.4326G>A, p.Trp1442Ter (NM_004012.4); c.978G>A, p.Trp326Ter (NM_004013.3, NM_004020.4, NM_004021.3 and 2 more transcripts); c.171G>A, p.Trp57Ter (NM_004014.3); short protein forms W2786*, W2782*, W57*, W2663*, W326*, W1442*, W1445*, W2778*.
Identifiers: ClinVar variation 2032773 (VCV002032773.5), dbSNP rs398124068, ClinGen allele CA267159.